The following is an entry in ClinVar:

NM_006015.6(ARID1A):c.3569C>A (p.Ala1190Asp)

Genes: ARID1A (AT-rich interaction domain 1A; plus strand), LOC126805670 (CDK7 strongly-dependent group 2 enhancer GRCh37_chr1:27098665-27099864; plus strand). Cytogenetic location: 1p36.11.
Variant type: single nucleotide variant.
Coding change: c.3569C>A on transcript NM_006015.6 (MANE Select); coding-DNA position 3569, C replaced by A.
Protein change: p.Ala1190Asp; replaces alanine 1190 with aspartic acid.
Molecular consequence: missense variant.
Genome position (GRCh38, 1-based): chr1:26,772,841, C>A. VCF-style: chr1-26772841-C-A. GRCh37 (hg19) VCF-style: chr1-27099332-C-A.
Other names: c.3569C>A, p.Ala1190Asp (NM_139135.4); short protein forms A1190D.
Identifiers: ClinVar variation 3369717 (VCV003369717.1).
Genomic context (GRCh38, chr1:26,772,841, plus strand): 5'-TGTGGTTTACTTGGTTTTCCTCACTCTGGAGCAGGAGCAATTCAGTTGGGATCCAGGATG[C>A]CTTTAATGATGGAAGTGACTCCACATTCCAGAAGCGGAATTCCATGACTCCAAACCCTGG-3'
Protein context (NP_006006.3, residues 1180-1200): SRSNSVGIQD[Ala1190Asp]FNDGSDSTFQ

ClinVar aggregate classification (germline): Uncertain significance (1 of 4 stars; one submission).

Submission:

GeneDx
Classification: Uncertain significance. Last evaluated: 2024-02-27. Review status: criteria provided, single submitter. Criteria: GeneDx Variant Classification Process June 2021. Collection method: clinical testing. Allele origin: germline. Affected: yes.
Comment: Not observed at significant frequency in large population cohorts (gnomAD); In silico analysis supports that this missense variant does not alter protein structure/function; Has not been previously published as pathogenic or benign to our knowledge